The following is an entry in ClinVar:

ClinVar aggregate classification (germline): Uncertain significance (1 of 4 stars; one submission).

Submission:

GeneDx
Classification: Uncertain significance. Last evaluated: 2026-01-26. Review status: criteria provided, single submitter. Criteria: GeneDx Variant Classification Process June 2021. Collection method: clinical testing. Allele origin: germline.
Comment: Not observed at significant frequency in large population cohorts (gnomAD); In silico analysis supports that this missense variant has a deleterious effect on protein structure/function; Has not been previously published as pathogenic or benign to our knowledge

NM_000814.6(GABRB3):c.1150G>T (p.Gly384Cys)

Gene: GABRB3 (gamma-aminobutyric acid type A receptor subunit beta3; minus strand). Cytogenetic location: 15q12.
Variant type: single nucleotide variant.
Coding change: c.1150G>T on transcript NM_000814.6 (MANE Select); coding-DNA position 1150, G replaced by T.
Protein change: p.Gly384Cys; replaces glycine 384 with cysteine.
Molecular consequence: missense variant.
Genome position (GRCh38, 1-based): chr15:26,548,065, C>A on the plus strand (G>T on the coding strand, the complement: GABRB3 is on the minus strand). VCF-style: chr15-26548065-C-A. GRCh37 (hg19) VCF-style: chr15-26793212-C-A.
Other names: c.895G>T, p.Gly299Cys (NM_001191320.2, NM_001278631.2); c.937G>T, p.Gly313Cys (NM_001191321.3); c.1150G>T, p.Gly384Cys (NM_021912.5); short protein forms G299C, G313C, G384C.
Identifiers: ClinVar variation 4975505 (VCV004975505.1).